The following is an entry in ClinVar:

ClinVar aggregate classification (germline): Uncertain significance (1 of 4 stars; one submission).

Conditions:
Cardiovascular phenotype. Identifiers: MedGen CN230736.

Submission:

Ambry Genetics
Classification: Uncertain significance for Cardiovascular phenotype. Last evaluated: 2026-01-10. Review status: criteria provided, single submitter. Criteria: Ambry Variant Classification Scheme 2023. Collection method: clinical testing. Allele origin: germline.
Comment: The p.A57D variant (also known as c.170C>A), located in coding exon 2 of the ENG gene, results from a C to A substitution at nucleotide position 170. The alanine at codon 57 is replaced by aspartic acid, an amino acid with dissimilar properties. This amino acid position is conserved. In addition, this alteration is predicted to be tolerated by in silico analysis. Based on the available evidence, the clinical significance of this variant remains unclear.

NM_001114753.3(ENG):c.170C>A (p.Ala57Asp)

Gene: ENG (endoglin; minus strand). Cytogenetic location: 9q34.11.
Variant type: single nucleotide variant.
Coding change: c.170C>A on transcript NM_001114753.3 (MANE Select); coding-DNA position 170, C replaced by A.
Protein change: p.Ala57Asp; replaces alanine 57 with aspartic acid.
Molecular consequence: missense variant. On other transcripts: 5 prime UTR variant (1).
Genome position (GRCh38, 1-based): chr9:127,843,143, G>T on the plus strand (C>A on the coding strand, the complement: ENG is on the minus strand). VCF-style: chr9-127843143-G-T. GRCh37 (hg19) VCF-style: chr9-130605422-G-T.
Other names: c.170C>A, p.Ala57Asp (NM_000118.4, NM_001406715.1); c.-377C>A (NM_001278138.2); short protein forms A57D.
Identifiers: ClinVar variation 4843464 (VCV004843464.1).
Genomic context (GRCh38, chr9:127,843,143, plus strand): 5'-GGGACACTCACCGTTGGGAACTCCAGGAAGAGGACATGGACTTCAAGGATGGCATTGGGG[G>T]CCTGAGCCACGCAGCCCTTCGAGACCTGGCTAGTGGTATATGTCACCTCGCCCCTCTCGG-3'
Protein context (NP_001108225.1, residues 47-67): SQVSKGCVAQ[Ala57Asp]PNAILEVHVL